The following is an entry in ClinVar:

NM_006662.3(SRCAP):c.9692G>C (p.Ter3231Ser)

Gene: SRCAP (Snf2 related CREBBP activator protein; plus strand). Cytogenetic location: 16p11.2.
Variant type: single nucleotide variant.
Coding change: c.9692G>C on transcript NM_006662.3 (MANE Select); coding-DNA position 9692, G replaced by C.
Protein change: p.Ter3231Ser.
Molecular consequence: stop lost.
Genome position (GRCh38, 1-based): chr16:30,739,732, G>C. VCF-style: chr16-30739732-G-C. GRCh37 (hg19) VCF-style: chr16-30751053-G-C.
Identifiers: ClinVar variation 3338499 (VCV003338499.3).
Genomic context (GRCh38, chr16:30,739,732, plus strand): 5'-GCGCCCCTCCCTCCCTGGCTGGCCCTGCTGTTAGTCACAGAGGCCGCAAGGCCAAGACGT[G>C]AGTGGGCTGCCCCTCCACCTAGGCTTTCCACCGTGGCCACTCCCTCCATGACCAGGCCTG-3'

ClinVar aggregate classification (germline): Uncertain significance. Review status: criteria provided, multiple submitters, no conflicts (2 of 4 stars). 2 submissions from 2 submitters: Uncertain significance (2). Last evaluated 2024-05-14.

Submissions (2):

Greenwood Genetic Center Diagnostic Laboratories, Greenwood Genetic Center
Classification: Uncertain significance. Last evaluated: 2024-05-14. Review status: criteria provided, single submitter. Criteria: ACMG Guidelines, 2015. Collection method: clinical testing. Allele origin: germline. Affected: yes.
Comment: PM4

Labcorp Genetics (formerly Invitae), Labcorp
Classification: Uncertain significance. Last evaluated: 2024-04-10. Review status: criteria provided, single submitter. Criteria: Invitae Variant Classification Sherloc (09022015). Collection method: clinical testing. Allele origin: germline.
Comment: This sequence change disrupts the translational stop signal of the SRCAP mRNA. It is expected to extend the length of the SRCAP protein by 7 additional amino acid residues. This variant is not present in population databases (gnomAD no frequency). This variant has not been reported in the literature in individuals affected with SRCAP-related conditions. Experimental studies and prediction algorithms are not available or were not evaluated, and the functional significance of this variant is currently unknown. In summary, the available evidence is currently insufficient to determine the role of this variant in disease. Therefore, it has been classified as a Variant of Uncertain Significance.